The following is an entry in ClinVar:

NM_015909.4(NBAS):c.6495A>C (p.Glu2165Asp)

Gene: NBAS (NBAS subunit of NRZ tethering complex; minus strand). Cytogenetic location: 2p24.3.
Variant type: single nucleotide variant.
Coding change: c.6495A>C on transcript NM_015909.4 (MANE Select); coding-DNA position 6495, A replaced by C.
Protein change: p.Glu2165Asp; replaces glutamic acid 2165 with aspartic acid.
Molecular consequence: missense variant. On other transcripts: non-coding transcript variant (1).
Genome position (GRCh38, 1-based): chr2:15,190,341, T>G on the plus strand (A>C on the coding strand, the complement: NBAS is on the minus strand). VCF-style: chr2-15190341-T-G. GRCh37 (hg19) VCF-style: chr2-15330465-T-G.
Other names: c.6495A>C (NM_015909.3); short protein forms E2165D.
Identifiers: ClinVar variation 1921581 (VCV001921581.3), dbSNP rs201230532, ClinGen allele CA1534991.

ClinVar aggregate classification (germline): Uncertain significance. Review status: criteria provided, multiple submitters, no conflicts (2 of 4 stars). 2 submissions from 2 submitters: Uncertain significance (2). Last evaluated 2023-08-29.

Allele frequency attached by ClinVar (database versions not stated): ExAC 0.00001; gnomAD 0.00002; TOPMed 0.00002; gnomAD exomes 0.00003; ESP Exome Variant Server 0.00008.
gnomAD v4.1: 51 of 1,613,886 alleles (0.0032%); highest among the groups gnomAD compares: Non-Finnish European, 0.0042%; no homozygotes.

Submissions (2):

GeneDx
Classification: Uncertain significance. Last evaluated: 2023-08-29. Review status: criteria provided, single submitter. Criteria: GeneDx Variant Classification Process June 2021. Collection method: clinical testing. Allele origin: germline. Affected: yes.
Comment: In silico analysis supports that this missense variant does not alter protein structure/function; Has not been previously published as pathogenic or benign to our knowledge

Labcorp Genetics (formerly Invitae), Labcorp
Classification: Uncertain significance. Last evaluated: 2022-04-22. Review status: criteria provided, single submitter. Criteria: Invitae Variant Classification Sherloc (09022015). Collection method: clinical testing. Allele origin: germline.
Comment: This sequence change replaces glutamic acid, which is acidic and polar, with aspartic acid, which is acidic and polar, at codon 2165 of the NBAS protein (p.Glu2165Asp). This variant is present in population databases (rs201230532, gnomAD 0.004%). This variant has not been reported in the literature in individuals affected with NBAS-related conditions. Algorithms developed to predict the effect of missense changes on protein structure and function output the following: SIFT: "Deleterious"; PolyPhen-2: "Benign"; Align-GVGD: "Class C35". The aspartic acid amino acid residue is found in multiple mammalian species, which suggests that this missense change does not adversely affect protein function. In summary, the available evidence is currently insufficient to determine the role of this variant in disease. Therefore, it has been classified as a Variant of Uncertain Significance.